The following is an entry in ClinVar:

ClinVar aggregate classification (germline): Uncertain significance. Review status: criteria provided, multiple submitters, no conflicts (2 of 4 stars). 5 submissions from 5 submitters: Uncertain significance (5). Last evaluated 2026-04-17.

Conditions:
Drash syndrome (DDS). Also called: NEPHROPATHY, WILMS TUMOR, AND GENITAL ANOMALIES; WILMS TUMOR AND PSEUDO- OR TRUE HERMAPHRODITISM. Identifiers: Orphanet 220, MedGen C0950121, MONDO:0008682, OMIM 194080.
Wilms tumor 1 (WT1). Also called: Wilms tumor, somatic. Identifiers: Orphanet 654, MedGen CN033288, MONDO:0008679, OMIM 194070.
11p partial monosomy syndrome (WAGR). Also called: CHROMOSOME 11p13 DELETION SYNDROME; WAGR Spectrum Disorder; WAGR syndrome; WAGR Complex. Identifiers: Orphanet 893, MedGen C0206115, MONDO:0008681, OMIM 194072.
Frasier syndrome. Identifiers: Orphanet 347, MedGen C0950122, MeSH D052159, MONDO:0007635, OMIM 136680.
Inborn genetic diseases. Identifiers: MedGen C0950123, MeSH D030342.
Aniridia 1 (AN1). Identifiers: Orphanet 250923, MedGen C0344542, MONDO:0024507, OMIM 106210.
Mesothelioma, malignant (MESOM). Also called: Malignant mesothelioma (disease). Identifiers: Orphanet 50251, MedGen C0345967, MONDO:0006292, OMIM 156240, HP:0100001.
Meacham syndrome. Also called: Meacham Winn Culler syndrome. Identifiers: Orphanet 3097, MedGen C1837026, MONDO:0012164, OMIM 608978.
Nephrotic syndrome, type 4 (NPHS4). Also called: Familial mesangial sclerosis; Nephrotic syndrome, early onset with diffuse mesangial sclerosis. Identifiers: Orphanet 656, MedGen C3151568, MONDO:0009733, OMIM 256370.

Allele frequency attached by ClinVar (database versions not stated): gnomAD exomes below 0.00001; TOPMed below 0.00001; ExAC 0.00001; gnomAD 0.00001; ESP Exome Variant Server 0.00008.
gnomAD v4.1: 4 of 1,614,084 alleles (0.00025%); highest among the groups gnomAD compares: Non-Finnish European, 0.00034%; no homozygotes.

Submissions (5):

Victorian Clinical Genetics Services, Murdoch Childrens Research Institute
Classification: Uncertain significance for Nephrotic syndrome, type 4. Last evaluated: 2026-04-17. Review status: criteria provided, single submitter. Criteria: ACMG Guidelines, 2015. Collection method: clinical testing. Allele origin: germline. Affected: yes.
Comment: This variant is classified as VUS-3B. Evidence in support of pathogenic classification: Variant is present in gnomAD <0.001 for a dominant condition (v4: 4 heterozygote(s), 0 homozygote(s)). Additional information: Variant is predicted to result in a missense amino acid change from Arg to Met; This variant is heterozygous; This gene is associated with autosomal dominant disease; Previous evidence of pathogenicity for this variant is inconclusive. This variant has been classified as a VUS by multiple clinical laboratories in ClinVar and has been reported in an individual with idiopathic infertility (PMID: 28334862). - No published evidence of segregation with disease has been identified for this variant; Functional evidence for this variant is inconclusive. This variant has functional evidence supporting reduced DNA binding, however this was in the context of unexplained infertility in mouse models (PMID: 28334862); No comparable missense variants have previous evidence for pathogenicity; Variant is located in the annotated zinc finger domain (UniProt). - Missense variant with inconclusive in silico prediction and/or uninformative conservation; Dominant negative is a known mechanism of disease in this gene and is associated with Denys-Drash syndrome (MIM#194080), Frasier syndrome (MIM#136680), Meacham syndrome (MIM#608978), and nephrotic syndrome, type 4 (MIM#256370). ClinGen has lumped the congenital malformation syndromes associated with the WT1 gene into the MONDO term Denys-Drash syndrome (MONDO:0008682). Missense variants in exons 8 and 9 are associated with congenital nephrotic syndrome and disorders of sex development (PMID: 32352694). Loss of function is also a known mechanism of disease in this gene and is associated with Wilms tumour, type 1 (MIM#194070); Inheritance information for this variant is not currently available in this individual.

Labcorp Genetics (formerly Invitae), Labcorp
Classification: Uncertain significance for Wilms tumor 1; Drash syndrome; 11p partial monosomy syndrome; Frasier syndrome. Last evaluated: 2025-08-07. Review status: criteria provided, single submitter. Criteria: Invitae Variant Classification Sherloc (09022015). Collection method: clinical testing. Allele origin: germline.
Comment: This sequence change replaces arginine, which is basic and polar, with methionine, which is neutral and non-polar, at codon 413 of the WT1 protein (p.Arg413Met). This variant is present in population databases (rs373176048, gnomAD 0.002%). This missense change has been observed in individual(s) with infertility (PMID: 28334862). ClinVar contains an entry for this variant (Variation ID: 943533). Invitae Evidence Modeling of protein sequence and biophysical properties (such as structural, functional, and spatial information, amino acid conservation, physicochemical variation, residue mobility, and thermodynamic stability) indicates that this missense variant is expected to disrupt WT1 protein function with a positive predictive value of 80%. Experimental studies have shown that this missense change affects WT1 function (PMID: 28334862). In summary, the available evidence is currently insufficient to determine the role of this variant in disease. Therefore, it has been classified as a Variant of Uncertain Significance.

Ambry Genetics
Classification: Uncertain significance for Inborn genetic diseases. Last evaluated: 2025-05-16. Review status: criteria provided, single submitter. Criteria: Ambry Variant Classification Scheme 2023. Collection method: clinical testing. Allele origin: germline.
Comment: The p.R413M variant (also known as c.1238G>T), located in coding exon 7 of the WT1 gene, results from a G to T substitution at nucleotide position 1238. The arginine at codon 413 is replaced by methionine, an amino acid with similar properties. This amino acid position is highly conserved in available vertebrate species. In addition, the in silico prediction for this alteration is inconclusive. Based on the available evidence, the clinical significance of this variant remains unclear.

GeneDx
Classification: Uncertain significance. Last evaluated: 2023-07-14. Review status: criteria provided, single submitter. Criteria: GeneDx Variant Classification Process June 2021. Collection method: clinical testing. Allele origin: germline. Affected: yes.
Comment: Not observed at significant frequency in large population cohorts (gnomAD); In silico analysis supports that this missense variant has a deleterious effect on protein structure/function; Published functional studies suggest a damaging effect: decreased DNA binding to Prss29 (Nathan et al., 2017); This variant is associated with the following publications: (PMID: 17361230, 28334862)

Fulgent Genetics
Classification: Uncertain significance for Aniridia 1; Frasier syndrome; Mesothelioma, malignant; Wilms tumor 1; 11p partial monosomy syndrome; Drash syndrome; Nephrotic syndrome, type 4; Meacham syndrome. Last evaluated: 2022-01-31. Review status: criteria provided, single submitter. Criteria: ACMG Guidelines, 2015. Collection method: clinical testing. Allele origin: unknown.

Literature cited by the submitters: PubMed 28334862 (cited by Victorian Clinical Genetics Services, Murdoch Childrens Research Institute and Labcorp Genetics (formerly Invitae), Labcorp); PubMed 32352694 (cited by Victorian Clinical Genetics Services, Murdoch Childrens Research Institute).

NM_024426.6(WT1):c.1253G>T (p.Arg418Met)

Gene: WT1 (WT1 transcription factor; minus strand). Cytogenetic location: 11p13.
Variant type: single nucleotide variant.
Coding change: c.1253G>T on transcript NM_024426.6 (MANE Select); coding-DNA position 1253, G replaced by T.
Protein change: p.Arg418Met; replaces arginine 418 with methionine.
Molecular consequence: missense variant. On other transcripts: non-coding transcript variant (1).
Genome position (GRCh38, 1-based): chr11:32,396,268, C>A on the plus strand (G>T on the coding strand, the complement: WT1 is on the minus strand). VCF-style: chr11-32396268-C-A. GRCh37 (hg19) VCF-style: chr11-32417814-C-A.
Other names: c.1202G>T, p.Arg401Met (NM_000378.6, NM_001407045.1, NM_001407048.1 and 1 more transcripts); c.602G>T, p.Arg201Met (NM_001198551.2); c.551G>T, p.Arg184Met (NM_001198552.2); c.65G>T, p.Arg22Met (NM_001367854.1); c.1247G>T, p.Arg416Met (NM_001407044.1); c.1253G>T, p.Arg418Met (NM_001407046.1, NM_024424.5); c.1130G>T, p.Arg377Met (NM_001407047.1); c.1079G>T, p.Arg360Met (NM_001407050.1); and 2 more; short protein forms R184M, R201M, R418M, R22M, R401M, R360M, R377M, R413M.
Identifiers: ClinVar variation 943533 (VCV000943533.12), dbSNP rs373176048, ClinGen allele CA064368.